The following is an entry in ClinVar:

ClinVar aggregate classification (germline): Uncertain significance (1 of 4 stars; one submission).

Conditions:
Arrhythmogenic cardiomyopathy with wooly hair and keratoderma. Also called: PALMOPLANTAR KERATODERMA WITH LEFT VENTRICULAR CARDIOMYOPATHY AND WOOLLY HAIR; Carvajal syndrome; Dilated cardiomyopathy with woolly hair and keratoderma; Arrhythmogenic cardiomyopathy with woolly hair and keratoderma. Identifiers: Orphanet 65282, MedGen C1854063, MONDO:0011581, OMIM 605676.

Submission:

All of Us Research Program, National Institutes of Health
Classification: Uncertain significance for Arrhythmogenic cardiomyopathy with wooly hair and keratoderma. Last evaluated: 2023-10-30. Review status: criteria provided, single submitter. Criteria: ACMG Guidelines, 2015. Collection method: clinical testing. Allele origin: germline. Inheritance: Autosomal dominant inheritance. Observed: 1 variant allele, 1 heterozygote.
Comment: This study involves interpretation of variants in research participants for the purpose of population health screening. Participant phenotype was not available at the time of variant classification. Additional details can be found in publication PMID: 35346344, PMCID: PMC8962531

NM_004415.4(DSP):c.7523_7525del (p.Ile2508del)

Gene: DSP (desmoplakin; plus strand). Cytogenetic location: 6p24.3.
Variant type: Deletion.
Coding change: c.7523_7525del on transcript NM_004415.4 (MANE Select); coding-DNA positions 7523 to 7525, 3 bases deleted (TCA; older notation c.7523_7525delTCA).
Protein change: p.Ile2508del; deletes isoleucine 2508.
Molecular consequence: inframe deletion.
Genome position (GRCh38, 1-based): chr6:7,584,785-7,584,787, TCA deleted; deleting any 3 consecutive bases within chr6:7,584,783-7,584,787 gives the same sequence; the c. name uses the placement nearest the transcript's 3' end. VCF-style (leftmost placement, unchanged base first): chr6-7584782-CCAT-C. GRCh37 (hg19) VCF-style: chr6-7585015-CCAT-C.
Other names: c.5726_5728del, p.Ile1909del (NM_001008844.3); c.6194_6196del, p.Ile2065del (NM_001319034.2); short protein forms I1909del, I2065del, I2508del.
Identifiers: ClinVar variation 3074242 (VCV003074242.1), dbSNP rs2533946276, ClinGen allele CA2578524529.